The following is an entry in ClinVar:

ClinVar aggregate classification (germline): Uncertain significance (1 of 4 stars; one submission).

Submission:

Labcorp Genetics (formerly Invitae), Labcorp
Classification: Uncertain significance. Last evaluated: 2020-09-02. Review status: criteria provided, single submitter. Criteria: Invitae Variant Classification Sherloc (09022015). Collection method: clinical testing. Allele origin: germline.
Comment: In summary, the available evidence is currently insufficient to determine the role of this variant in disease. Therefore, it has been classified as a Variant of Uncertain Significance. Algorithms developed to predict the effect of missense changes on protein structure and function (SIFT, PolyPhen-2, Align-GVGD) all suggest that this variant is likely to be tolerated, but these predictions have not been confirmed by published functional studies and their clinical significance is uncertain. This variant has not been reported in the literature in individuals with POLE-related conditions. This variant is not present in population databases (ExAC no frequency). This sequence change replaces glutamine with glutamic acid at codon 522 of the POLE protein (p.Gln522Glu). The glutamine residue is moderately conserved and there is a small physicochemical difference between glutamine and glutamic acid.

NM_006231.4(POLE):c.1564C>G (p.Gln522Glu)

Gene: POLE (DNA polymerase epsilon, catalytic subunit; minus strand). Cytogenetic location: 12q24.33.
Variant type: single nucleotide variant.
Coding change: c.1564C>G on transcript NM_006231.4 (MANE Select); coding-DNA position 1564, C replaced by G.
Protein change: p.Gln522Glu; replaces glutamine 522 with glutamic acid.
Molecular consequence: missense variant.
Genome position (GRCh38, 1-based): chr12:132,672,749, G>C on the plus strand (C>G on the coding strand, the complement: POLE is on the minus strand). VCF-style: chr12-132672749-G-C. GRCh37 (hg19) VCF-style: chr12-133249335-G-C.
Other names: short protein forms Q522E.
Identifiers: ClinVar variation 1008016 (VCV001008016.8), dbSNP rs2042959627, ClinGen allele CA387357071.